The following is an entry in ClinVar:

NM_001201543.2(FAM161A):c.435A>C (p.Glu145Asp)

Gene: FAM161A (FAM161 centrosomal protein A; minus strand). Cytogenetic location: 2p15.
Variant type: single nucleotide variant.
Coding change: c.435A>C on transcript NM_001201543.2 (MANE Select); coding-DNA position 435, A replaced by C.
Protein change: p.Glu145Asp; replaces glutamic acid 145 with aspartic acid.
Molecular consequence: missense variant.
Genome position (GRCh38, 1-based): chr2:61,840,569, T>G on the plus strand (A>C on the coding strand, the complement: FAM161A is on the minus strand). VCF-style: chr2-61840569-T-G. GRCh37 (hg19) VCF-style: chr2-62067704-T-G.
Other names: c.435A>C, p.Glu145Asp (NM_032180.3); short protein forms E145D.
Identifiers: ClinVar variation 858757 (VCV000858757.9), dbSNP rs202022070, ClinGen allele CA1679353.
Genomic context (GRCh38, chr2:61,840,569, plus strand): 5'-CTGGCCTAAATCAGGCTCTGAAAATGATGTCATTAATGAGACAGGGTGATAGGAGTTCTT[T>G]TCTGATACAGATCTAAATGAGAAGAATAACTATGTTATACTTTCAGTTGTATGTGACCAA-3'
Protein context (NP_001188472.1, residues 135-155): SLSDSSRSVS[Glu145Asp]KNSYHPVSLM

ClinVar aggregate classification (germline): Uncertain significance. Review status: criteria provided, multiple submitters, no conflicts (2 of 4 stars). 5 submissions from 5 submitters: Uncertain significance (4). 1 of the submissions does not count toward it. Last evaluated 2025-12-03.

Conditions:
Retinitis pigmentosa (RP). Identifiers: Orphanet 791, MedGen C0035334, MeSH D012174, MONDO:0019200, OMIM 268000. Inheritance: Autosomal dominant, autosomal recessive and X linked inheritance.
Inborn genetic diseases. Identifiers: MedGen C0950123, MeSH D030342.
FAM161A-related disorder. Also called: FAM161A-related condition.

Allele frequency attached by ClinVar (database versions not stated): TOPMed 0.00010; ESP Exome Variant Server 0.00017.
gnomAD v4.1: 138 of 1,605,712 alleles (0.0086%); highest among the groups gnomAD compares: Non-Finnish European, 0.011%; no homozygotes.

Submissions (5):

PreventionGenetics, part of Exact Sciences
Classification: Uncertain significance for FAM161A-related condition. Last evaluated: 2025-12-03. Review status: criteria provided, single submitter. Criteria: ACMG Guidelines, 2015. Collection method: clinical testing. Allele origin: germline.
Comment: The FAM161A c.435A>C variant is predicted to result in the amino acid substitution p.Glu145Asp. To our knowledge, this variant has not been reported in the literature. This variant is reported in 0.012% of alleles in individuals of European (Non-Finnish) descent in gnomAD. At this time, the clinical significance of this variant is uncertain due to the absence of conclusive functional and genetic evidence.

Ambry Genetics
Classification: Uncertain significance for Inborn genetic diseases. Last evaluated: 2025-08-28. Review status: criteria provided, single submitter. Criteria: Ambry Variant Classification Scheme 2023. Collection method: clinical testing. Allele origin: germline.

Blueprint Genetics
Classification: Uncertain significance. Last evaluated: 2024-01-11. Review status: criteria provided, single submitter. Criteria: ACMG Guidelines, 2015. Collection method: clinical testing. Allele origin: germline.

Labcorp Genetics (formerly Invitae), Labcorp
Classification: Uncertain significance. Last evaluated: 2022-07-05. Review status: criteria provided, single submitter. Criteria: Invitae Variant Classification Sherloc (09022015). Collection method: clinical testing. Allele origin: germline.
Comment: This sequence change replaces glutamic acid, which is acidic and polar, with aspartic acid, which is acidic and polar, at codon 145 of the FAM161A protein (p.Glu145Asp). This variant is present in population databases (rs202022070, gnomAD 0.01%). This variant has not been reported in the literature in individuals affected with FAM161A-related conditions. ClinVar contains an entry for this variant (Variation ID: 858757). Algorithms developed to predict the effect of missense changes on protein structure and function are either unavailable or do not agree on the potential impact of this missense change (SIFT: "Tolerated"; PolyPhen-2: "Probably Damaging"; Align-GVGD: "Class C0"). In summary, the available evidence is currently insufficient to determine the role of this variant in disease. Therefore, it has been classified as a Variant of Uncertain Significance.

Natera, Inc.
Classification: Uncertain significance for Retinitis pigmentosa. Last evaluated: 2020-04-24. Review status: no assertion criteria provided. Collection method: clinical testing. Allele origin: germline. Not counted in ClinVar's aggregate classification.